The following is an entry in ClinVar:

NM_177438.3(DICER1):c.4349T>C (p.Ile1450Thr)

Gene: DICER1 (dicer 1, ribonuclease III; minus strand). Cytogenetic location: 14q32.13.
Variant type: single nucleotide variant.
Coding change: c.4349T>C on transcript NM_177438.3 (MANE Select); coding-DNA position 4349, T replaced by C.
Protein change: p.Ile1450Thr; replaces isoleucine 1450 with threonine.
Molecular consequence: missense variant. On other transcripts: non-coding transcript variant (6).
Genome position (GRCh38, 1-based): chr14:95,096,571, A>G on the plus strand (T>C on the coding strand, the complement: DICER1 is on the minus strand). VCF-style: chr14-95096571-A-G. GRCh37 (hg19) VCF-style: chr14-95562908-A-G.
Other names: c.4349T>C, p.Ile1450Thr (NM_001195573.1, NM_001271282.3, NM_001291628.2 and 13 more transcripts); c.4067T>C, p.Ile1356Thr (NM_001395686.1); c.3944T>C, p.Ile1315Thr (NM_001395687.1, NM_001395688.1, NM_001395689.1 and 2 more transcripts); c.3782T>C, p.Ile1261Thr (NM_001395691.1); c.2666T>C, p.Ile889Thr (NM_001395697.1); short protein forms I1261T, I1450T, I889T, I1315T, I1356T.
Identifiers: ClinVar variation 2967632 (VCV002967632.4), dbSNP rs1890362954, ClinGen allele CA390869179.

ClinVar aggregate classification (germline): Uncertain significance. Review status: criteria provided, multiple submitters, no conflicts (2 of 4 stars). 2 submissions from 2 submitters: Uncertain significance (2). Last evaluated 2025-03-26.

Conditions:
Hereditary cancer-predisposing syndrome. Also called: Tumor predisposition; Hereditary neoplastic syndrome; Neoplastic Syndromes, Hereditary; Hereditary Cancer Syndrome. Identifiers: Orphanet 140162, MedGen C0027672, MeSH D009386, MONDO:0015356.
DICER1-related tumor predisposition. Also called: DICER1 syndrome; DICER1-related pleuropulmonary blastoma cancer predisposition syndrome. Identifiers: Orphanet 284343, MedGen C3839822, MONDO:0100216.

Allele frequency attached by ClinVar (database versions not stated): TOPMed below 0.00001.
gnomAD v4.1: 1 of 1,613,094 alleles (0.000062%); highest among the groups gnomAD compares: Non-Finnish European, 0.000085%; no homozygotes.

Submissions (2):

Ambry Genetics
Classification: Uncertain significance for Hereditary cancer-predisposing syndrome. Last evaluated: 2025-03-26. Review status: criteria provided, single submitter. Criteria: Ambry Variant Classification Scheme 2023. Collection method: clinical testing. Allele origin: germline.
Comment: The p.I1450T variant (also known as c.4349T>C), located in coding exon 22 of the DICER1 gene, results from a T to C substitution at nucleotide position 4349. The isoleucine at codon 1450 is replaced by threonine, an amino acid with similar properties. This amino acid position is conserved. In addition, this alteration is predicted to be deleterious by in silico analysis. Based on the available evidence, the clinical significance of this variant remains unclear.

Labcorp Genetics (formerly Invitae), Labcorp
Classification: Uncertain significance for DICER1-related tumor predisposition. Last evaluated: 2024-04-25. Review status: criteria provided, single submitter. Criteria: Invitae Variant Classification Sherloc (09022015). Collection method: clinical testing. Allele origin: germline.
Comment: This sequence change replaces isoleucine, which is neutral and non-polar, with threonine, which is neutral and polar, at codon 1450 of the DICER1 protein (p.Ile1450Thr). This variant is not present in population databases (gnomAD no frequency). This variant has not been reported in the literature in individuals affected with DICER1-related conditions. An algorithm developed to predict the effect of missense changes on protein structure and function (PolyPhen-2) suggests that this variant is likely to be disruptive. In summary, the available evidence is currently insufficient to determine the role of this variant in disease. Therefore, it has been classified as a Variant of Uncertain Significance.